The following is an entry in ClinVar:

ClinVar aggregate classification (germline): Uncertain significance (1 of 4 stars; one submission).

Conditions:
Developmental and epileptic encephalopathy, 53. Also called: Epileptic encephalopathy, early infantile, 53. Identifiers: MedGen C4479313, MONDO:0033362, OMIM 617389.
Early-onset Parkinson disease 20. Also called: PARKINSON DISEASE 20, AUTOSOMAL RECESSIVE EARLY-ONSET. Identifiers: Orphanet 391411, MedGen C3809824, MONDO:0014233, OMIM 615530.

Allele frequency attached by ClinVar (database versions not stated): gnomAD exomes below 0.00001; TOPMed below 0.00001.
gnomAD v4.1: 1 of 1,614,218 alleles (0.000062%); highest among the groups gnomAD compares: African/African-American, 0.0013%; no homozygotes.

Submission:

Labcorp Genetics (formerly Invitae), Labcorp
Classification: Uncertain significance for Developmental and epileptic encephalopathy, 53; Early-onset Parkinson disease 20. Last evaluated: 2020-09-24. Review status: criteria provided, single submitter. Criteria: Invitae Variant Classification Sherloc (09022015). Collection method: clinical testing. Allele origin: germline.
Comment: In summary, the available evidence is currently insufficient to determine the role of this variant in disease. Therefore, it has been classified as a Variant of Uncertain Significance. Algorithms developed to predict the effect of missense changes on protein structure and function (SIFT, PolyPhen-2, Align-GVGD) all suggest that this variant is likely to be tolerated, but these predictions have not been confirmed by published functional studies and their clinical significance is uncertain. This sequence change replaces alanine with valine at codon 1373 of the SYNJ1 protein (p.Ala1373Val). The alanine residue is weakly conserved and there is a small physicochemical difference between alanine and valine. This variant is not present in population databases (ExAC no frequency). This variant has not been reported in the literature in individuals with SYNJ1-related conditions.

NM_203446.3(SYNJ1):c.*89C>T

Gene: SYNJ1 (synaptojanin 1; minus strand). Cytogenetic location: 21q22.11.
Variant type: single nucleotide variant.
Coding change: c.*89C>T on transcript NM_203446.3 (MANE Select); 89 bases downstream of the stop codon, C replaced by T.
Molecular consequence: 3 prime UTR variant. On other transcripts: missense variant (2).
Genome position (GRCh38, 1-based): chr21:32,631,716, G>A on the plus strand (C>T on the coding strand, the complement: SYNJ1 is on the minus strand). VCF-style: chr21-32631716-G-A. GRCh37 (hg19) VCF-style: chr21-34004026-G-A.
Other names: c.*89C>T (NM_001160302.2); c.3860C>T, p.Ala1287Val (NM_001160306.2); c.4118C>T, p.Ala1373Val (NM_003895.4); short protein forms A1287V, A1373V.
Identifiers: ClinVar variation 1059946 (VCV001059946.9), dbSNP rs2039336435, ClinGen allele CA410083124.